The following is an entry in ClinVar:

ClinVar aggregate classification (germline): Uncertain significance (1 of 4 stars; one submission).

Conditions:
Atrial fibrillation, familial, 11 (ATFB11). Identifiers: MedGen C3279693, MONDO:0013544, OMIM 614049.
Atrial standstill 1 (ATRST1). Also called: Atrial standstill, digenic (GJA5/SCN5A); ATRIAL CARDIOMYOPATHY WITH HEART BLOCK; CARDIOMYOPATHY, FAMILIAL, WITH CONDUCTION DISTURBANCE. Identifiers: Orphanet 1344, MedGen C4551959, MONDO:0007171, OMIM 108770.

Allele frequency attached by ClinVar (database versions not stated): gnomAD exomes below 0.00001.
gnomAD v4.1: 1 of 1,614,172 alleles (0.000062%); highest among the groups gnomAD compares: Non-Finnish European, 0.000085%; no homozygotes.

Submission:

Labcorp Genetics (formerly Invitae), Labcorp
Classification: Uncertain significance for Atrial fibrillation, familial, 11; Atrial standstill 1. Last evaluated: 2022-09-09. Review status: criteria provided, single submitter. Criteria: Invitae Variant Classification Sherloc (09022015). Collection method: clinical testing. Allele origin: germline.
Comment: In summary, the available evidence is currently insufficient to determine the role of this variant in disease. Therefore, it has been classified as a Variant of Uncertain Significance. Algorithms developed to predict the effect of missense changes on protein structure and function are either unavailable or do not agree on the potential impact of this missense change (SIFT: "Deleterious"; PolyPhen-2: "Benign"; Align-GVGD: "Class C0"). This variant has not been reported in the literature in individuals affected with GJA5-related conditions. This variant is not present in population databases (gnomAD no frequency). This sequence change replaces proline, which is neutral and non-polar, with threonine, which is neutral and polar, at codon 334 of the GJA5 protein (p.Pro334Thr).

NM_181703.4(GJA5):c.1000C>A (p.Pro334Thr)

Gene: GJA5 (gap junction protein alpha 5; minus strand). Cytogenetic location: 1q21.2.
Variant type: single nucleotide variant.
Coding change: c.1000C>A on transcript NM_181703.4 (MANE Select); coding-DNA position 1000, C replaced by A.
Protein change: p.Pro334Thr; replaces proline 334 with threonine.
Molecular consequence: missense variant.
Genome position (GRCh38, 1-based): chr1:147,758,239, G>T on the plus strand (C>A on the coding strand, the complement: GJA5 is on the minus strand). VCF-style: chr1-147758239-G-T. GRCh37 (hg19) VCF-style: chr1-147230347-G-T.
Other names: c.1000C>A, p.Pro334Thr (NM_005266.7); short protein forms P334T.
Identifiers: ClinVar variation 2044403 (VCV002044403.4), dbSNP rs2524607914, ClinGen allele CA342393686.
Genomic context (GRCh38, chr1:147,758,239, plus strand): 5'-CTGACCTTGCCTTGCTGCTGGCCTTACTAAGACGTCGCTTGTCACTATGATAGCCATGGG[G>T]AAGGCGGTGACCTGGTGAGACTCCATTGGGCACCTCAGGCTTCTGGCCATAACGAACCTG-3'
Protein context (NP_859054.1, residues 324-344): PNGVSPGHRL[Pro334Thr]HGYHSDKRRL